The following is an entry in ClinVar:

NM_000478.6(ALPL):c.581_582del (p.Pro194fs)

Gene: ALPL (alkaline phosphatase, biomineralization associated; plus strand). Cytogenetic location: 1p36.12.
Variant type: Deletion.
Coding change: c.581_582del on transcript NM_000478.6 (MANE Select); coding-DNA positions 581 to 582, 2 bases deleted (CT; older notation c.581_582delCT).
Protein change: p.Pro194fs; shifts the reading frame from proline 194.
Molecular consequence: frameshift variant.
Genome position (GRCh38, 1-based): chr1:21,564,149-21,564,150, CT deleted. VCF-style (leftmost placement, unchanged base first): chr1-21564148-CCT-C. GRCh37 (hg19) VCF-style: chr1-21890641-CCT-C.
Other names: c.416_417del, p.Pro139fs (NM_001127501.4); c.350_351del, p.Pro117fs (NM_001177520.3); c.581_582del, p.Pro194fs (NM_001369803.2, NM_001369804.2, NM_001369805.2); short protein forms P117fs, P139fs, P194fs.
Identifiers: ClinVar variation 1724538 (VCV001724538.7), dbSNP rs2545304123, ClinGen allele CA2574253027.
Genomic context (GRCh38, chr1:21,564,148, plus strand): 5'-CCCAGCGCCGCCTACGCCCACTCGGCTGACCGGGACTGGTACTCAGACAACGAGATGCCC[CCT>C]GAGGCCTTGAGCCAGGGCTGTAAGGACATCGCCTACCAGCTCATGCATAACATCAGGGAC-3'

ClinVar aggregate classification (germline): Pathogenic/Likely pathogenic. Review status: criteria provided, multiple submitters, no conflicts (2 of 4 stars). 3 submissions from 3 submitters: Pathogenic (1); Likely pathogenic (2). Last evaluated 2023-01-01.

Conditions:
Adult hypophosphatasia. Identifiers: Orphanet 247676, Orphanet 436, MedGen C0268413, MONDO:1010154, OMIM 146300, MONDO:0007798.
Hypophosphatasia. Also called: Phosphoethanol-aminuria. Identifiers: Orphanet 436, MedGen C0020630, MeSH D007014, MONDO:0018570.

Submissions (3):

Labcorp Genetics (formerly Invitae), Labcorp
Classification: Pathogenic. Last evaluated: 2023-01-01. Review status: criteria provided, single submitter. Criteria: Invitae Variant Classification Sherloc (09022015). Collection method: clinical testing. Allele origin: germline.
Comment: For these reasons, this variant has been classified as Pathogenic. ClinVar contains an entry for this variant (Variation ID: 1724538). This variant has not been reported in the literature in individuals affected with ALPL-related conditions. This variant is not present in population databases (gnomAD no frequency). This sequence change creates a premature translational stop signal (p.Pro194Argfs*8) in the ALPL gene. It is expected to result in an absent or disrupted protein product. Loss-of-function variants in ALPL are known to be pathogenic (PMID: 3174660, 10679946, 32973344, 33814268).

Baylor Genetics
Classification: Likely pathogenic for Adult hypophosphatasia. Last evaluated: 2021-12-01. Review status: criteria provided, single submitter. Criteria: ACMG Guidelines, 2015. Collection method: clinical testing. Allele origin: unknown.

Myriad Genetics, Inc.
Classification: Likely pathogenic for Hypophosphatasia. Last evaluated: 2021-11-14. Review status: criteria provided, single submitter. Criteria: Myriad Autosomal Dominant, Autosomal Recessive and X-Linked Classification Criteria (2023). Collection method: clinical testing. Allele origin: unknown.
Comment: NM_000478.4(ALPL):c.581_582delCT(P194Rfs*8) is expected to be pathogenic in the context of hypophosphatasia. This variant is predicted to lead to an abnormal or absent protein product due to the creation of a premature termination codon in ALPL, a gene where loss-of-function variants are known to be pathogenic. Please note: this variant was assessed in the context of healthy population screening.

Literature cited by the submitters: PubMed 3174660 (cited by Labcorp Genetics (formerly Invitae), Labcorp); PubMed 10679946 (cited by Labcorp Genetics (formerly Invitae), Labcorp); PubMed 32973344 (cited by Labcorp Genetics (formerly Invitae), Labcorp); PubMed 33814268 (cited by Labcorp Genetics (formerly Invitae), Labcorp).